The following is an entry in ClinVar:

NM_021951.3(DMRT1):c.879C>G (p.Tyr293Ter)

Gene: DMRT1 (doublesex and mab-3 related transcription factor 1; plus strand). Cytogenetic location: 9p24.3.
Variant type: single nucleotide variant.
Coding change: c.879C>G on transcript NM_021951.3 (MANE Select); coding-DNA position 879, C replaced by G.
Protein change: p.Tyr293Ter; replaces tyrosine 293 with a stop codon.
Molecular consequence: nonsense.
Genome position (GRCh38, 1-based): chr9:916,819, C>G. VCF-style: chr9-916819-C-G. GRCh37 (hg19) VCF-style: chr9-916819-C-G.
Other names: c.405C>G, p.Tyr135Ter (NM_001363767.1); short protein forms Y135*, Y293*.
Identifiers: ClinVar variation 3376121 (VCV003376121.1).
Genomic context (GRCh38, chr9:916,819, plus strand): 5'-GCAGATGAAGAACATGGAGAACCGCCATGCAATGAGCTCCCAGTACAGGATGCATTCTTA[C>G]TACCCGCCTCCCTCTTACCTGGGCCAGAGCGTGCCCCAGTTCTTCACTTTTGAGGATGCT-3'

ClinVar aggregate classification (germline): Likely pathogenic (1 of 4 stars; one submission).

Conditions:
Male infertility. Identifiers: MedGen C0021364, MeSH D007248, MONDO:0005372, HP:0003251.

Submission:

Institute of Reproductive Genetics, University of Münster
Classification: Likely pathogenic for Male infertility. Last evaluated: 2024-11-06. Review status: criteria provided, single submitter. Criteria: Uk Practice Guidelines For Variant Classification V4 01 2020. Collection method: research. Allele origin: germline. Observed: 1 variant allele.
Comment: PVS1_strong, PM2_moderate